The following is an entry in ClinVar:

NM_001478.5(B4GALNT1):c.532-1G>C

Gene: B4GALNT1 (beta-1,4-N-acetyl-galactosaminyltransferase 1; minus strand). Cytogenetic location: 12q13.3.
Variant type: single nucleotide variant.
Coding change: c.532-1G>C on transcript NM_001478.5 (MANE Select); the canonical splice acceptor site of the intron before coding-DNA position 532, G replaced by C.
Molecular consequence: splice acceptor variant.
Genome position (GRCh38, 1-based): chr12:57,630,333, C>G on the plus strand (G>C on the coding strand, the complement: B4GALNT1 is on the minus strand). VCF-style: chr12-57630333-C-G. GRCh37 (hg19) VCF-style: chr12-58024116-C-G.
Other names: c.367-1G>C (NM_001413978.1, NM_001276468.2); c.-456-1G>C (NM_001413984.1, NM_001413982.1, NM_001413981.1 and 1 more transcripts); c.532-1G>C (NM_001413977.1, NM_001413970.1, NM_001413968.1 and 9 more transcripts).
Identifiers: ClinVar variation 3369026 (VCV003369026.1).

ClinVar aggregate classification (germline): Pathogenic (1 of 4 stars; one submission).

Submission:

GeneDx
Classification: Pathogenic. Last evaluated: 2024-04-26. Review status: criteria provided, single submitter. Criteria: GeneDx Variant Classification Process June 2021. Collection method: clinical testing. Allele origin: germline. Affected: yes.
Comment: Observed with a B4GALNT1 variant on the opposite allele (in trans) in a patient with B4GALNT1-associated hereditary spastic paraplegia in published literature (PMID: 35775650); Identified as a de novo variant in an individual from a cohort of individuals with autism spectrum disorder, however, detailed clinical information was not provided (PMID: 35982159); Canonical splice site variant predicted to result in a null allele in a gene for which loss of function is a known mechanism of disease; Not observed at significant frequency in large population cohorts (gnomAD); This variant is associated with the following publications: (PMID: 35775650, 35982159)